The following is an entry in ClinVar:

ClinVar aggregate classification (germline): Likely benign (1 of 4 stars; one submission).

Submission:

CeGaT Center for Human Genetics Tuebingen
Classification: Likely benign. Last evaluated: 2025-04-01. Review status: criteria provided, single submitter. Criteria: CeGaT Center For Human Genetics Tuebingen Variant Classification Criteria Version 2. Collection method: clinical testing. Allele origin: germline. Affected: yes. Observed: 1 variant allele.
Comment: LINC01620: BP4, BP7

NR_132342.1(LINC01620):n.224G>A

Gene: LINC01620 (long independently transcribed non-coding RNA 1620; minus strand). Cytogenetic location: 20q13.12.
Variant type: single nucleotide variant.
Molecular consequence: non-coding transcript variant (on NR_132342.1).
Genome position: GRCh38 VCF-style: chr20-44462239-C-T. GRCh37 (hg19) VCF-style: chr20-43090879-C-T.
Identifiers: ClinVar variation 3898150 (VCV003898150.7).